The following is an entry in ClinVar:

ClinVar aggregate classification (germline): Uncertain significance. Review status: criteria provided, multiple submitters, no conflicts (2 of 4 stars). 2 submissions from 2 submitters: Uncertain significance (2). Last evaluated 2024-11-11.

Conditions:
Inborn genetic diseases. Identifiers: MedGen C0950123, MeSH D030342.

Allele frequency attached by ClinVar (database versions not stated): gnomAD 0.00001.
gnomAD v4.1: 12 of 1,608,148 alleles (0.00075%); highest among the groups gnomAD compares: Non-Finnish European, 0.001%; no homozygotes.

Submissions (2):

GeneDx
Classification: Uncertain significance. Last evaluated: 2024-11-11. Review status: criteria provided, single submitter. Criteria: GeneDx Variant Classification Process June 2021. Collection method: clinical testing. Allele origin: germline. Affected: yes.
Comment: Not observed at significant frequency in large population cohorts (gnomAD); In silico analysis supports that this missense variant has a deleterious effect on protein structure/function; Has not been previously published as pathogenic or benign to our knowledge

Ambry Genetics
Classification: Uncertain significance for Inborn genetic diseases. Last evaluated: 2022-06-24. Review status: criteria provided, single submitter. Criteria: Ambry Variant Classification Scheme 2023. Collection method: clinical testing. Allele origin: germline.

NM_001375405.1(CEP120):c.2165G>C (p.Arg722Pro)

Gene: CEP120 (centrosomal protein 120; minus strand). Cytogenetic location: 5q23.2.
Variant type: single nucleotide variant.
Coding change: c.2165G>C on transcript NM_001375405.1 (MANE Select); coding-DNA position 2165, G replaced by C.
Protein change: p.Arg722Pro; replaces arginine 722 with proline.
Molecular consequence: missense variant. On other transcripts: non-coding transcript variant (1).
Genome position (GRCh38, 1-based): chr5:123,378,367, C>G on the plus strand (G>C on the coding strand, the complement: CEP120 is on the minus strand). VCF-style: chr5-123378367-C-G. GRCh37 (hg19) VCF-style: chr5-122714061-C-G.
Other names: c.2087G>C, p.Arg696Pro (NM_001166226.2); c.2030G>C, p.Arg677Pro (NM_001375406.1); c.2165G>C, p.Arg722Pro (NM_001375407.1, NM_153223.4); c.1592G>C, p.Arg531Pro (NM_001375408.1, NM_001375409.1); short protein forms R696P, R531P, R677P, R722P.
Identifiers: ClinVar variation 2297124 (VCV002297124.3), dbSNP rs773930908, ClinGen allele CA360898884.